The following is an entry in ClinVar:

NM_001164508.2(NEB):c.901A>G (p.Arg301Gly)

Gene: NEB (nebulin; minus strand). Cytogenetic location: 2q23.3.
Variant type: single nucleotide variant.
Coding change: c.901A>G on transcript NM_001164508.2 (MANE Select); coding-DNA position 901, A replaced by G.
Protein change: p.Arg301Gly; replaces arginine 301 with glycine.
Molecular consequence: missense variant.
Genome position (GRCh38, 1-based): chr2:151,710,460, T>C on the plus strand (A>G on the coding strand, the complement: NEB is on the minus strand). VCF-style: chr2-151710460-T-C. GRCh37 (hg19) VCF-style: chr2-152566974-T-C.
Other names: c.901A>G, p.Arg301Gly (NM_001164507.2, NM_001271208.2, NM_004543.5); c.901A>G (NM_004543.4); short protein forms R301G.
Identifiers: ClinVar variation 1039211 (VCV001039211.8), dbSNP rs756396449, ClinGen allele CA1911748.
Genomic context (GRCh38, chr2:151,710,460, plus strand): 5'-AGGATGACCAACCAGCCATCCCTTCCCACTTAACTGTGCTAATGTTATCAGCATTCATTC[T>C]GGCATTTGCAACTTCAAAGCAAGGTGTCTCACTCCATTTGCCTTTGATTTTATTTTCATA-3'
Protein context (NP_001157980.2, residues 291-311): ETPCFEVANA[Arg301Gly]MNADNISTRK

ClinVar aggregate classification (germline): Uncertain significance. Review status: criteria provided, multiple submitters, no conflicts (2 of 4 stars). 3 submissions from 3 submitters: Uncertain significance (2). 1 of the submissions does not count toward it. Last evaluated 2022-06-20.

Conditions:
Inborn genetic diseases. Identifiers: MedGen C0950123, MeSH D030342.
Nemaline myopathy 2 (NEM2). Also called: Nemaline myopathy 2, autosomal recessive. Identifiers: MedGen C1850569, MONDO:0009725, OMIM 256030.

Allele frequency attached by ClinVar (database versions not stated): TOPMed below 0.00001; ExAC 0.00001; gnomAD 0.00001; gnomAD exomes 0.00001 and 0.00003.

Submissions (3):

Labcorp Genetics (formerly Invitae), Labcorp
Classification: Uncertain significance for Nemaline myopathy 2. Last evaluated: 2022-06-20. Review status: criteria provided, single submitter. Criteria: Invitae Variant Classification Sherloc (09022015). Collection method: clinical testing. Allele origin: germline.
Comment: This sequence change replaces arginine, which is basic and polar, with glycine, which is neutral and non-polar, at codon 301 of the NEB protein (p.Arg301Gly). This variant is present in population databases (rs756396449, gnomAD 0.002%). This variant has not been reported in the literature in individuals affected with NEB-related conditions. ClinVar contains an entry for this variant (Variation ID: 1039211). Algorithms developed to predict the effect of missense changes on protein structure and function are either unavailable or do not agree on the potential impact of this missense change (SIFT: "Deleterious"; PolyPhen-2: "Not Available"; Align-GVGD: "Class C0"). In summary, the available evidence is currently insufficient to determine the role of this variant in disease. Therefore, it has been classified as a Variant of Uncertain Significance.

Ambry Genetics
Classification: Uncertain significance for Inborn genetic diseases. Last evaluated: 2021-10-20. Review status: criteria provided, single submitter. Criteria: Ambry Variant Classification Scheme 2023. Collection method: clinical testing. Allele origin: germline.

Natera, Inc.
Classification: Uncertain significance for Nemaline myopathy type 2. Last evaluated: 2020-03-04. Review status: no assertion criteria provided. Collection method: clinical testing. Allele origin: germline. Not counted in ClinVar's aggregate classification.